The following is an entry in ClinVar:

ClinVar aggregate classification (germline): Uncertain significance. Review status: criteria provided, multiple submitters, no conflicts (2 of 4 stars). 3 submissions from 3 submitters: Uncertain significance (3). Last evaluated 2025-09-10.

Conditions:
Microcephaly, facial dysmorphism, renal agenesis, and ambiguous genitalia syndrome. Identifiers: MedGen C4748348, MONDO:0020647, OMIM 618142.

Allele frequency attached by ClinVar (database versions not stated): gnomAD 0.00003.
gnomAD v4.1: 39 of 1,612,492 alleles (0.0024%); highest among the groups gnomAD compares: Middle Eastern, 0.082%; no homozygotes.

Submissions (3):

Genomic Medicine Center of Excellence, King Faisal Specialist Hospital and Research Centre
Classification: Uncertain significance for Microcephaly, facial dysmorphism, renal agenesis, and ambiguous genitalia syndrome. Last evaluated: 2025-09-10. Review status: criteria provided, single submitter. Criteria: ACMG Guidelines, 2015. Collection method: clinical testing. Allele origin: germline.

Department of Pathology and Laboratory Medicine, Sinai Health System
Classification: Uncertain significance for microcephaly, facial dysmorphism, renal agenesis, and ambiguous genitalia syndrome. Last evaluated: 2023-06-21. Review status: criteria provided, single submitter. Criteria: ACMG Guidelines, 2015. Collection method: research. Allele origin: germline.

Genome-Nilou Lab
Classification: Uncertain significance for Microcephaly, facial dysmorphism, renal agenesis, and ambiguous genitalia syndrome. Last evaluated: 2022-08-01. Review status: criteria provided, single submitter. Criteria: ACMG Guidelines, 2015. Collection method: clinical testing. Allele origin: germline. Inheritance: Autosomal recessive inheritance. Affected: yes.
Comment: Reclassified to VUS. Lack of segregation observed in affected members of one family (BS4).

NM_001012759.3(CTU2):c.1246C>T (p.Gln416Ter)

Gene: CTU2 (cytosolic thiouridylase subunit 2; plus strand). Cytogenetic location: 16q24.3.
Variant type: single nucleotide variant.
Coding change: c.1246C>T on transcript NM_001012759.3 (MANE Select); coding-DNA position 1246, C replaced by T.
Protein change: p.Gln416Ter; replaces glutamine 416 with a stop codon.
Molecular consequence: nonsense.
Genome position (GRCh38, 1-based): chr16:88,714,631, C>T. VCF-style: chr16-88714631-C-T. GRCh37 (hg19) VCF-style: chr16-88781039-C-T.
Other names: c.1246C>T, p.Gln416Ter (NM_001012762.3); c.1459C>T, p.Gln487Ter (NM_001318507.2); c.985C>T, p.Gln329Ter (NM_001318513.2); short protein forms Q329*, Q416*, Q487*.
Identifiers: ClinVar variation 1285282 (VCV001285282.5), dbSNP rs199700993, ClinGen allele CA8230970.